The following is an entry in ClinVar:

ClinVar aggregate classification (germline): Uncertain significance (1 of 4 stars; one submission).

Allele frequency attached by ClinVar (database versions not stated): gnomAD 0.00001; gnomAD exomes 0.00001.
gnomAD v4.1: 4 of 1,566,610 alleles (0.00026%); highest among the groups gnomAD compares: Admixed American, 0.0066%; no homozygotes.

Submission:

GeneDx
Classification: Uncertain significance. Last evaluated: 2021-04-09. Review status: criteria provided, single submitter. Criteria: GeneDx Variant Classification Process June 2021. Collection method: clinical testing. Allele origin: germline. Affected: yes.
Comment: Not observed at a significant frequency in large population cohorts (Lek et al., 2016); In silico analysis supports that this missense variant does not alter protein structure/function; Has not been previously published as pathogenic or benign to our knowledge

NM_152743.4(BRAT1):c.1354G>C (p.Val452Leu)

Gene: BRAT1 (BRCA1 associated ATM activator 1; minus strand). Cytogenetic location: 7p22.3.
Variant type: single nucleotide variant.
Coding change: c.1354G>C on transcript NM_152743.4 (MANE Select); coding-DNA position 1354, G replaced by C.
Protein change: p.Val452Leu; replaces valine 452 with leucine.
Molecular consequence: missense variant. On other transcripts: non-coding transcript variant (1).
Genome position (GRCh38, 1-based): chr7:2,541,020, C>G on the plus strand (G>C on the coding strand, the complement: BRAT1 is on the minus strand). VCF-style: chr7-2541020-C-G. GRCh37 (hg19) VCF-style: chr7-2580654-C-G.
Other names: c.1354G>C, p.Val452Leu (NM_001350626.2); c.829G>C, p.Val277Leu (NM_001350627.2); short protein forms V277L, V452L.
Identifiers: ClinVar variation 1314520 (VCV001314520.2), dbSNP rs1223186309, ClinGen allele CA366628731.